The following is an entry in ClinVar:

NM_000090.4(COL3A1):c.2567C>T (p.Pro856Leu)

Gene: COL3A1 (collagen type III alpha 1 chain; plus strand). Cytogenetic location: 2q32.2.
Variant type: single nucleotide variant.
Coding change: c.2567C>T on transcript NM_000090.4 (MANE Select); coding-DNA position 2567, C replaced by T.
Protein change: p.Pro856Leu; replaces proline 856 with leucine.
Molecular consequence: missense variant.
Genome position (GRCh38, 1-based): chr2:189,003,424, C>T. VCF-style: chr2-189003424-C-T. GRCh37 (hg19) VCF-style: chr2-189868150-C-T.
Other names: short protein forms P856L.
Identifiers: ClinVar variation 1357562 (VCV001357562.8), dbSNP rs1688514900, ClinGen allele CA349843450.

ClinVar aggregate classification (germline): Uncertain significance (1 of 4 stars; one submission).

Conditions:
Ehlers-Danlos syndrome, type 4 (EDSVASC). Also called: Ehlers-Danlos syndrome vascular type; Ehlers Danlos syndrome, ecchymotic type; Ehlers Danlos syndrome, arterial type; Ehlers Danlos syndrome, Sack-Barabas type; Ehlers-Danlos Syndrome Type IV. Identifiers: Orphanet 286, MedGen C0268338, MONDO:0017314, OMIM 130050.

Allele frequency attached by ClinVar (database versions not stated): TOPMed below 0.00001; gnomAD 0.00001.
gnomAD v4.1: 1 of 1,613,534 alleles (0.000062%); highest among the groups gnomAD compares: African/African-American, 0.0013%; no homozygotes.

Submission:

Labcorp Genetics (formerly Invitae), Labcorp
Classification: Uncertain significance for Ehlers-Danlos syndrome, type 4. Last evaluated: 2024-12-16. Review status: criteria provided, single submitter. Criteria: Invitae Variant Classification Sherloc (09022015). Collection method: clinical testing. Allele origin: germline.
Comment: This sequence change replaces proline, which is neutral and non-polar, with leucine, which is neutral and non-polar, at codon 856 of the COL3A1 protein (p.Pro856Leu). This variant is not present in population databases (gnomAD no frequency). This missense change has been observed in individual(s) with COL3A1_related conditions (internal data). ClinVar contains an entry for this variant (Variation ID: 1357562). Invitae Evidence Modeling of protein sequence and biophysical properties (such as structural, functional, and spatial information, amino acid conservation, physicochemical variation, residue mobility, and thermodynamic stability) indicates that this missense variant is not expected to disrupt COL3A1 protein function with a negative predictive value of 95%. In summary, the available evidence is currently insufficient to determine the role of this variant in disease. Therefore, it has been classified as a Variant of Uncertain Significance.